The following is an entry in ClinVar:

ClinVar aggregate classification (germline): Likely pathogenic. Review status: criteria provided, multiple submitters, no conflicts (2 of 4 stars). 2 submissions from 2 submitters: Likely pathogenic (2). Last evaluated 2024-07-31.

Conditions:
Retinitis pigmentosa 25 (RP25). Identifiers: Orphanet 791, MedGen C1864446, MONDO:0011272, OMIM 602772.

Submissions (2):

Natera, Inc.
Classification: Likely pathogenic for Retinitis pigmentosa type 25. Last evaluated: 2024-07-31. Review status: criteria provided, single submitter. Criteria: Natera Variant Classification Schema (03/2026). Collection method: clinical testing. Allele origin: germline.
Comment: The c.1123G>T variant in EYS is a nonsense variant predicted to introduce a stop codon at amino acid 375. This variant is expected to result in nonsense mediated decay, truncation, or a dysfunctional protein product. This variant is rare in the general population with a frequency below the threshold expected for the associated phenotype(s). Given the available evidence, this variant is classified as Likely Pathogenic.

Fulgent Genetics
Classification: Likely pathogenic for Retinitis pigmentosa 25. Last evaluated: 2024-02-22. Review status: criteria provided, single submitter. Criteria: ACMG Guidelines, 2015. Collection method: clinical testing. Allele origin: germline.

NM_001142800.2(EYS):c.1123G>T (p.Glu375Ter)

Gene: EYS (EGF-like photoreceptor maintenance factor; minus strand). Cytogenetic location: 6q12.
Variant type: single nucleotide variant.
Coding change: c.1123G>T on transcript NM_001142800.2 (MANE Select); coding-DNA position 1123, G replaced by T.
Protein change: p.Glu375Ter; replaces glutamic acid 375 with a stop codon.
Molecular consequence: nonsense.
Genome position (GRCh38, 1-based): chr6:65,402,539, C>A on the plus strand (G>T on the coding strand, the complement: EYS is on the minus strand). VCF-style: chr6-65402539-C-A. GRCh37 (hg19) VCF-style: chr6-66112432-C-A.
Other names: c.1123G>T, p.Glu375Ter (NM_001142801.2, NM_001292009.2, NM_198283.2); c.1123G>T (NM_001142800.1); short protein forms E375*.
Identifiers: ClinVar variation 2675297 (VCV002675297.4), dbSNP rs2533367146, ClinGen allele CA364662384.
Genomic context (GRCh38, chr6:65,402,539, plus strand): 5'-TGCAAGGATAATCTTTCTCACATTTCTTACATGTAGCATTATTCCTCAAAGGAAATGACT[C>A]ACATGATGTTTGAATGCTCTTACAAAGCAAATCTGTAAATATTGGTGAACAGATGCACAT-3'